The following is an entry in ClinVar:

ClinVar aggregate classification (germline): Uncertain significance (1 of 4 stars; one submission).

Conditions:
Multiple endocrine neoplasia, type 1 (MEN1). Also called: MEA I; MEN I; WERMER SYNDROME; Endocrine adenomatosis multiple; MEN 1. Identifiers: Orphanet 652, MedGen C0025267, MeSH D018761, MONDO:0007540, OMIM 131100.

Allele frequency attached by ClinVar (database versions not stated): TOPMed 0.00001.

Submission:

Labcorp Genetics (formerly Invitae), Labcorp
Classification: Uncertain significance for Multiple endocrine neoplasia, type 1. Last evaluated: 2023-09-17. Review status: criteria provided, single submitter. Criteria: Invitae Variant Classification Sherloc (09022015). Collection method: clinical testing. Allele origin: germline.
Comment: In summary, the available evidence is currently insufficient to determine the role of this variant in disease. Therefore, it has been classified as a Variant of Uncertain Significance. Advanced modeling of protein sequence and biophysical properties (such as structural, functional, and spatial information, amino acid conservation, physicochemical variation, residue mobility, and thermodynamic stability) performed at Invitae indicates that this missense variant is expected to disrupt MEN1 protein function. ClinVar contains an entry for this variant (Variation ID: 1037583). This variant has not been reported in the literature in individuals affected with MEN1-related conditions. This variant is not present in population databases (gnomAD no frequency). This sequence change replaces leucine, which is neutral and non-polar, with glutamine, which is neutral and polar, at codon 249 of the MEN1 protein (p.Leu249Gln).

NM_001370259.2(MEN1):c.746T>A (p.Leu249Gln)

Gene: MEN1 (menin 1; minus strand). Cytogenetic location: 11q13.1.
Variant type: single nucleotide variant.
Coding change: c.746T>A on transcript NM_001370259.2 (MANE Select); coding-DNA position 746, T replaced by A.
Protein change: p.Leu249Gln; replaces leucine 249 with glutamine.
Molecular consequence: missense variant.
Genome position (GRCh38, 1-based): chr11:64,807,589, A>T on the plus strand (T>A on the coding strand, the complement: MEN1 is on the minus strand). VCF-style: chr11-64807589-A-T. GRCh37 (hg19) VCF-style: chr11-64575061-A-T.
Other names: c.641T>A, p.Leu214Gln (NM_001370263.2, NM_001370262.2); c.746T>A, p.Leu249Gln (NM_130799.3, NM_001370251.2, NM_001370260.2 and 1 more transcripts); c.761T>A, p.Leu254Gln (NM_130800.3, NM_130801.3, NM_130802.3 and 3 more transcripts); short protein forms L214Q, L249Q, L254Q.
Identifiers: ClinVar variation 1037583 (VCV001037583.9), dbSNP rs1824195184, ClinGen allele CA381184311.